The following is an entry in ClinVar:

NM_001376.5(DYNC1H1):c.8780G>A (p.Arg2927His)

Gene: DYNC1H1 (dynein cytoplasmic 1 heavy chain 1; plus strand). Cytogenetic location: 14q32.31.
Variant type: single nucleotide variant.
Coding change: c.8780G>A on transcript NM_001376.5 (MANE Select); coding-DNA position 8780, G replaced by A.
Protein change: p.Arg2927His; replaces arginine 2927 with histidine.
Molecular consequence: missense variant.
Genome position (GRCh38, 1-based): chr14:102,027,182, G>A. VCF-style: chr14-102027182-G-A. GRCh37 (hg19) VCF-style: chr14-102493519-G-A.
Other names: short protein forms R2927H.
Identifiers: ClinVar variation 3236613 (VCV003236613.3), dbSNP rs764724223, ClinGen allele CA7353121.

ClinVar aggregate classification (germline): Conflicting classifications of pathogenicity. Review status: criteria provided, conflicting classifications (1 of 4 stars). 2 submissions from 2 submitters: Pathogenic (1); Uncertain significance (1). Last evaluated 2024-09-17.

Conditions:
Charcot-Marie-Tooth disease axonal type 2O. Also called: Charcot-Marie-Tooth disease, axonal, type 20; CHARCOT-MARIE-TOOTH NEUROPATHY, AXONAL, TYPE 2O; CHARCOT-MARIE-TOOTH DISEASE, AXONAL, AUTOSOMAL DOMINANT, TYPE 2O; Charcot-Marie-Tooth Neuropathy Type 2O. Identifiers: Orphanet 284232, MedGen C3280220, MONDO:0013644, OMIM 614228.
Cortical dysplasia, complex, with other brain malformations 13. Also called: Intellectual disability, autosomal dominant 13. Identifiers: MedGen C3281202, MONDO:0013805, OMIM 614563.
Autosomal dominant childhood-onset proximal spinal muscular atrophy without contractures. Also called: KUGELBERG-WELANDER SYNDROME, AUTOSOMAL DOMINANT; SPINAL MUSCULAR ATROPHY, JUVENILE, PROXIMAL, AUTOSOMAL DOMINANT; Spinal muscular atrophy, lower extremity-predominant 1, AD; SPINAL MUSCULAR ATROPHY, CHILDHOOD, PROXIMAL, AUTOSOMAL DOMINANT. Identifiers: Orphanet 209341, Orphanet 363447, MedGen C5780022, MONDO:0008026, OMIM 158600.

Allele frequency attached by ClinVar (database versions not stated): ExAC 0.00001; gnomAD 0.00001; gnomAD exomes 0.00001; TOPMed 0.00001.
gnomAD v4.1: 11 of 1,613,904 alleles (0.00068%); highest among the groups gnomAD compares: East Asian, 0.0045%; no homozygotes.

Submissions (2):

Labcorp Genetics (formerly Invitae), Labcorp
Classification: Pathogenic for Charcot-Marie-Tooth disease axonal type 2O. Last evaluated: 2024-09-17. Review status: criteria provided, single submitter. Criteria: Invitae Variant Classification Sherloc (09022015). Collection method: clinical testing. Allele origin: germline.
Comment: This sequence change replaces arginine, which is basic and polar, with histidine, which is basic and polar, at codon 2927 of the DYNC1H1 protein (p.Arg2927His). This variant is present in population databases (rs764724223, gnomAD 0.01%). This missense change has been observed in individual(s) with DYNC1H1-related seizures (internal data). In at least one individual the variant was observed to be de novo. Invitae Evidence Modeling of protein sequence and biophysical properties (such as structural, functional, and spatial information, amino acid conservation, physicochemical variation, residue mobility, and thermodynamic stability) indicates that this missense variant is expected to disrupt DYNC1H1 protein function with a positive predictive value of 95%. For these reasons, this variant has been classified as Pathogenic.

Clinical Genomics Laboratory, Washington University in St. Louis
Classification: Uncertain significance for Autosomal dominant childhood-onset proximal spinal muscular atrophy without contractures; Cortical dysplasia, complex, with other brain malformations 13. Last evaluated: 2024-03-22. Review status: criteria provided, single submitter. Criteria: ACMG Guidelines, 2015. Collection method: clinical testing. Allele origin: germline.
Comment: The DYNC1H1 c.8780G>A (p.Arg2927His) variant, to our knowledge, has not been reported in the medical literature. This variant is only observed on 2/251,322 alleles in the general population (gnomAD v.2.1.1), indicating it is not a common variant. Computational predictors are uncertain as to the impact of this variant on DYNC1H1 function. This variant resides in one of the six AAA domains within the motor domain which is crucial for dynein movement. Due to limited information, and based on ACMG/AMP guidelines for variant interpretation (Richards S et al., PMID: 25741868), the clinical significance of this variant is uncertain at this time.